The following is an entry in ClinVar:

NM_001379081.2(FREM1):c.4065C>A (p.His1355Gln)

Gene: FREM1 (FRAS1 related extracellular matrix 1; minus strand). Cytogenetic location: 9p22.3.
Variant type: single nucleotide variant.
Coding change: c.4065C>A on transcript NM_001379081.2 (MANE Select); coding-DNA position 4065, C replaced by A.
Protein change: p.His1355Gln; replaces histidine 1355 with glutamine.
Molecular consequence: missense variant. On other transcripts: non-coding transcript variant (1).
Genome position (GRCh38, 1-based): chr9:14,789,031, G>T on the plus strand (C>A on the coding strand, the complement: FREM1 is on the minus strand). VCF-style: chr9-14789031-G-T. GRCh37 (hg19) VCF-style: chr9-14789029-G-T.
Other names: c.4065C>A, p.His1355Gln (NM_144966.7); short protein forms H1355Q.
Identifiers: ClinVar variation 3696712 (VCV003696712.2).

ClinVar aggregate classification (germline): Uncertain significance (1 of 4 stars; one submission).

gnomAD v4.1: 8 of 1,611,282 alleles (0.0005%); highest among the groups gnomAD compares: African/African-American, 0.0013%; no homozygotes.

Submission:

Labcorp Genetics (formerly Invitae), Labcorp
Classification: Uncertain significance. Last evaluated: 2024-08-04. Review status: criteria provided, single submitter. Criteria: Invitae Variant Classification Sherloc (09022015). Collection method: clinical testing. Allele origin: germline.
Comment: This sequence change replaces histidine, which is basic and polar, with glutamine, which is neutral and polar, at codon 1355 of the FREM1 protein (p.His1355Gln). This variant is not present in population databases (gnomAD no frequency). This variant has not been reported in the literature in individuals affected with FREM1-related conditions. Advanced modeling of protein sequence and biophysical properties (such as structural, functional, and spatial information, amino acid conservation, physicochemical variation, residue mobility, and thermodynamic stability) has been performed at Invitae for this missense variant, however the output from this modeling did not meet the statistical confidence thresholds required to predict the impact of this variant on FREM1 protein function. In summary, the available evidence is currently insufficient to determine the role of this variant in disease. Therefore, it has been classified as a Variant of Uncertain Significance.